The following is an entry in ClinVar:

ClinVar aggregate classification (germline): Benign. Review status: criteria provided, multiple submitters, no conflicts (2 of 4 stars). 3 submissions from 3 submitters: Benign (3). Last evaluated 2021-07-14.

Conditions:
Long QT syndrome 15 (LQT15). Identifiers: Orphanet 101016, Orphanet 768, MedGen C4015695, MONDO:0014550, OMIM 616249.

Allele frequency attached by ClinVar (database versions not stated): gnomAD 0.74378 and 0.74981; TOPMed 0.96937; 1000 Genomes Project 0.98562.
gnomAD v4.1: 936,238 of 1,095,924 alleles (85%); highest among the groups gnomAD compares: East Asian, 94%; 396,029 homozygotes.

Submissions (3):

Genome-Nilou Lab
Classification: Benign for Long QT syndrome 15. Last evaluated: 2021-07-14. Review status: criteria provided, single submitter. Criteria: ACMG Guidelines, 2015. Collection method: clinical testing. Allele origin: germline. Affected: no.

GeneDx
Classification: Benign. Last evaluated: 2018-06-14. Review status: criteria provided, single submitter. Criteria: GeneDx Variant Classification (06012015). Collection method: clinical testing. Allele origin: germline. Affected: yes.
Comment: This variant is considered likely benign or benign based on one or more of the following criteria: it is a conservative change, it occurs at a poorly conserved position in the protein, it is predicted to be benign by multiple in silico algorithms, and/or has population frequency not consistent with disease.

Breakthrough Genomics
Classification: Benign. Review status: criteria provided, single submitter. Criteria: ACMG Guidelines, 2015. Collection method: not provided. Allele origin: germline. Inheritance: Autosomal dominant inheritance. Affected: yes.

NM_001743.6(CALM2):c.421+96T>C

Gene: CALM2 (calmodulin 2; minus strand). Cytogenetic location: 2p21.
Variant type: single nucleotide variant.
Coding change: c.421+96T>C on transcript NM_001743.6 (MANE Select); 96 bases into the intron after coding-DNA position 421, T replaced by C.
Molecular consequence: intron variant.
Genome position (GRCh38, 1-based): chr2:47,161,627, A>G on the plus strand (T>C on the coding strand, the complement: CALM2 is on the minus strand). VCF-style: chr2-47161627-A-G. GRCh37 (hg19) VCF-style: chr2-47388766-A-G.
Other names: c.565+96T>C (NM_001305624.1); c.313+96T>C (NM_001305626.1, NM_001305625.2).
Identifiers: ClinVar variation 674615 (VCV000674615.5), dbSNP rs2454085, ClinGen allele CA46690654.
Genomic context (GRCh38, chr2:47,161,627, plus strand): 5'-GACAACACTCTGAATTTTAAGAAGGTTAAATGTAAGTAACTGTTTTAGCAACCTAATTTC[A>G]GGGGAAGGGTCACTAATTTCGATCAGTTCCCTAACAAAGAGCCTCTTATCTTAAAAATCA-3'